The following is an entry in ClinVar:

NM_004655.4(AXIN2):c.1447C>G (p.Pro483Ala)

Gene: AXIN2 (axin 2; minus strand). Cytogenetic location: 17q24.1.
Variant type: single nucleotide variant.
Coding change: c.1447C>G on transcript NM_004655.4 (MANE Select); coding-DNA position 1447, C replaced by G.
Protein change: p.Pro483Ala; replaces proline 483 with alanine.
Molecular consequence: missense variant.
Genome position (GRCh38, 1-based): chr17:65,537,589, G>C on the plus strand (C>G on the coding strand, the complement: AXIN2 is on the minus strand). VCF-style: chr17-65537589-G-C. GRCh37 (hg19) VCF-style: chr17-63533707-G-C.
Other names: c.1447C>G (LRG_296t1); c.1447C>G, p.Pro483Ala (NM_001363813.1); short protein forms P483A.
Identifiers: ClinVar variation 659662 (VCV000659662.12), dbSNP rs1555577827, ClinGen allele CA400677480.
Genomic context (GRCh38, chr17:65,537,589, plus strand): 5'-TGCCCCCGAGGAGGGGGCAGGCGCCCGGCGAGGCGGCCGCGGGAGGCAGCTTGCCACCGG[G>C]CGGGAGCAGGGAGTGGTACTGCGAATGGTGGTGGTGGTGGTGGTCCGGGGAGCGGGAGCG-3'
Protein context (NP_004646.3, residues 473-493): HHSQYHSLLP[Pro483Ala]GGKLPPAAAS

ClinVar aggregate classification (germline): Uncertain significance. Review status: criteria provided, multiple submitters, no conflicts (2 of 4 stars). 2 submissions from 2 submitters: Uncertain significance (2). Last evaluated 2023-05-12.

Conditions:
Hereditary cancer-predisposing syndrome. Also called: Hereditary neoplastic syndrome; Neoplastic Syndromes, Hereditary; Hereditary Cancer Syndrome; Tumor predisposition. Identifiers: Orphanet 140162, MedGen C0027672, MeSH D009386, MONDO:0015356.
Oligodontia-cancer predisposition syndrome. Also called: TOOTH AGENESIS-COLORECTAL CANCER SYNDROME. Identifiers: Orphanet 300576, MedGen C1837750, MONDO:0012075, OMIM 608615. Disease mechanism: loss of function.

Submissions (2):

Ambry Genetics
Classification: Uncertain significance for Hereditary cancer-predisposing syndrome. Last evaluated: 2023-05-12. Review status: criteria provided, single submitter. Criteria: Ambry Variant Classification Scheme 2023. Collection method: clinical testing. Allele origin: germline.
Comment: The p.P483A variant (also known as c.1447C>G), located in coding exon 5 of the AXIN2 gene, results from a C to G substitution at nucleotide position 1447. The proline at codon 483 is replaced by alanine, an amino acid with highly similar properties. This amino acid position is conserved. In addition, this alteration is predicted to be tolerated by in silico analysis. Since supporting evidence is limited at this time, the clinical significance of this alteration remains unclear.

Labcorp Genetics (formerly Invitae), Labcorp
Classification: Uncertain significance for Oligodontia-cancer predisposition syndrome. Last evaluated: 2019-10-01. Review status: criteria provided, single submitter. Criteria: Invitae Variant Classification Sherloc (09022015). Collection method: clinical testing. Allele origin: germline.
Comment: In summary, the available evidence is currently insufficient to determine the role of this variant in disease. Therefore, it has been classified as a Variant of Uncertain Significance. Algorithms developed to predict the effect of missense changes on protein structure and function output the following: SIFT: "Tolerated"; PolyPhen-2: "Benign"; Align-GVGD: "Class C0". The alanine amino acid residue is found in multiple mammalian species, suggesting that this missense change does not adversely affect protein function. These predictions have not been confirmed by published functional studies and their clinical significance is uncertain. This variant has not been reported in the literature in individuals with AXIN2-related disease. This variant is not present in population databases (ExAC no frequency). This sequence change replaces proline with alanine at codon 483 of the AXIN2 protein (p.Pro483Ala). The proline residue is weakly conserved and there is a small physicochemical difference between proline and alanine.